The following is an entry in ClinVar:

ClinVar aggregate classification (germline): Uncertain significance (1 of 4 stars; one submission).

Conditions:
Hereditary cancer-predisposing syndrome. Also called: Neoplastic Syndromes, Hereditary; Tumor predisposition; Hereditary neoplastic syndrome; Hereditary Cancer Syndrome. Identifiers: Orphanet 140162, MedGen C0027672, MeSH D009386, MONDO:0015356.

Submission:

Ambry Genetics
Classification: Uncertain significance for Hereditary cancer-predisposing syndrome. Last evaluated: 2026-07-06. Review status: criteria provided, single submitter. Criteria: Ambry Variant Classification Scheme 2023. Collection method: clinical testing. Allele origin: germline.
Comment: The p.R300K variant (also known as c.899G>A), located in coding exon 3 of the PHOX2B gene, results from a G to A substitution at nucleotide position 899. The arginine at codon 300 is replaced by lysine, an amino acid with highly similar properties. This amino acid position is conserved. In addition, the in silico prediction for this alteration is inconclusive. Based on the available evidence, the clinical significance of this variant remains unclear.

NM_003924.4(PHOX2B):c.899G>A (p.Arg300Lys)

Gene: PHOX2B (paired like homeobox 2B; minus strand). Cytogenetic location: 4p13.
Variant type: single nucleotide variant.
Coding change: c.899G>A on transcript NM_003924.4 (MANE Select); coding-DNA position 899, G replaced by A.
Protein change: p.Arg300Lys; replaces arginine 300 with lysine.
Molecular consequence: missense variant.
Genome position (GRCh38, 1-based): chr4:41,745,853, C>T on the plus strand (G>A on the coding strand, the complement: PHOX2B is on the minus strand). VCF-style: chr4-41745853-C-T. GRCh37 (hg19) VCF-style: chr4-41747870-C-T.
Other names: short protein forms R300K.
Identifiers: ClinVar variation 5026555 (VCV005026555.1).